The following is an entry in ClinVar:

NM_000046.5(ARSB):c.629A>G (p.Tyr210Cys)

Gene: ARSB (arylsulfatase B; minus strand). Cytogenetic location: 5q14.1.
Variant type: single nucleotide variant.
Coding change: c.629A>G on transcript NM_000046.5 (MANE Select); coding-DNA position 629, A replaced by G.
Protein change: p.Tyr210Cys; replaces tyrosine 210 with cysteine.
Molecular consequence: missense variant.
Genome position (GRCh38, 1-based): chr5:78,964,477, T>C on the plus strand (A>G on the coding strand, the complement: ARSB is on the minus strand). VCF-style: chr5-78964477-T-C. GRCh37 (hg19) VCF-style: chr5-78260300-T-C.
Other names: c.629A>G, p.Tyr210Cys (NM_198709.3); short protein forms Y210C.
Identifiers: ClinVar variation 885 (VCV000000885.72), dbSNP rs118203943, ClinGen allele CA114609.
Genomic context (GRCh38, chr5:78,964,477, plus strand): 5'-TTCTCTGGTGGATGGTTAGTTATGAGGGCTATAGCCCTTTTGGTGAATATGTTTGTTGAA[T>C]ACATATTTTTATATCCTGTTGCAACTTCTTCGCCATCTCGAAAATCAAGAGCACATCGTG-3'
Protein context (NP_000037.2, residues 200-220): EEVATGYKNM[Tyr210Cys]STNIFTKRAI

ClinVar aggregate classification (germline): Pathogenic. Review status: criteria provided, multiple submitters, no conflicts (2 of 4 stars). 16 submissions from 16 submitters: Pathogenic (11). 5 of the submissions do not count toward it. Last evaluated 2026-07-01.

Conditions:
ARSB-related disorder. Also called: ARSB-related condition.
Metachromatic leukodystrophy (MLD). Also called: METACHROMATIC LEUKOENCEPHALOPATHY; Arylsulfatase A Deficiency; ARSA DEFICIENCY; CEREBROSIDE SULFATASE DEFICIENCY; SULFATIDE LIPIDOSIS; Cerebral sclerosis diffuse metachromatic form. Identifiers: Orphanet 512, MedGen C0023522, MONDO:0018868, OMIM 250100.
Mucopolysaccharidosis type 6 (MPS6). Also called: N-ACETYLGALACTOSAMINE-4-SULFATASE DEFICIENCY; MPS VI; ARSB DEFICIENCY; ARYLSULFATASE B DEFICIENCY; MPS 6; Maroteaux Lamy syndrome. Identifiers: Orphanet 583, MedGen C0026709, MONDO:0009661, OMIM 253200.

Allele frequency attached by ClinVar (database versions not stated): TOPMed 0.00012; gnomAD 0.00017 and 0.00016; gnomAD exomes 0.00027 and 0.00023; ExAC 0.00040.
gnomAD v4.1: 356 of 1,613,942 alleles (0.022%); highest among the groups gnomAD compares: Non-Finnish European, 0.028%; no homozygotes.

Submissions (16):

CeGaT Center for Human Genetics Tuebingen
Classification: Pathogenic. Last evaluated: 2026-07-01. Review status: criteria provided, single submitter. Criteria: CeGaT Center For Human Genetics Tuebingen Variant Classification Criteria Version 2. Collection method: clinical testing. Allele origin: germline. Affected: yes. Observed: 2 variant alleles.
Comment: ARSB: PM3:Very Strong, PM2, PS3:Supporting

Labcorp Genetics (formerly Invitae), Labcorp
Classification: Pathogenic for Mucopolysaccharidosis type 6. Last evaluated: 2026-01-14. Review status: criteria provided, single submitter. Criteria: Invitae Variant Classification Sherloc (09022015). Collection method: clinical testing. Allele origin: germline.
Comment: This sequence change replaces tyrosine, which is neutral and polar, with cysteine, which is neutral and slightly polar, at codon 210 of the ARSB protein (p.Tyr210Cys). This variant is present in population databases (rs118203943, gnomAD 0.06%). This missense change has been observed in individuals with ARSB-related conditions (PMID: 8651289, 17458871, 21514195, 23557332, 24221504). ClinVar contains an entry for this variant (Variation ID: 885). Invitae Evidence Modeling of protein sequence and biophysical properties (such as structural, functional, and spatial information, amino acid conservation, physicochemical variation, residue mobility, and thermodynamic stability) indicates that this missense variant is expected to disrupt ARSB protein function with a positive predictive value of 95%. Experimental studies have shown that this missense change affects ARSB function (PMID: 8651289, 11939792, 23557332). For these reasons, this variant has been classified as Pathogenic.

Natera, Inc.
Classification: Pathogenic for Mucopolysaccharidosis type VI. Last evaluated: 2025-08-04. Review status: criteria provided, single submitter. Criteria: Natera Variant Classification Schema (03/2026). Collection method: clinical testing. Allele origin: germline.
Comment: The c.629A>G variant in ARSB is a missense variant predicted to cause substitution of tyrosine to cysteine at amino acid 210. This variant is rare in the general population with a frequency below the threshold expected for the associated phenotype(s). This variant has been observed in one or more individuals affected with the associated recessive disease, as either homozygous or compound heterozygous with a second variant (PMID: 35118118, 28552677). Additionally, this variant has been observed to segregate in affected family members (PMID: 28552677). Computational prediction algorithms indicate this variant is likely to affect gene or protein function. Given the available evidence, this variant is classified as Pathogenic.

Blueprint Genetics
Classification: Pathogenic for ARSB-related disorders. Last evaluated: 2024-01-29. Review status: criteria provided, single submitter. Criteria: ACMG Guidelines, 2015. Collection method: clinical testing. Allele origin: germline. Affected: yes. Observed: 5 variant alleles.

3billion
Classification: Pathogenic for Mucopolysaccharidosis type 6. Last evaluated: 2023-02-23. Review status: criteria provided, single submitter. Criteria: ACMG Guidelines, 2015. Collection method: clinical testing. Allele origin: unknown. Affected: yes.
Comment: The variant is observed at an extremely low frequency in the gnomAD v2.1.1 dataset (total allele frequency: 0.027%). Functional studies provide strong evidence of the variant having a damaging effect on the gene or gene product (PMID: 11939792, 23557332, 8651289). In silico tool predictions suggest damaging effect of the variant on gene or gene product (REVEL: 0.97; 3Cnet: 1.00). The variant has been reported to be in trans with a pathogenic variant as either compound heterozygous or homozygous in at least 4 similarly affected unrelated individuals (PMID: 17458871, 21514195, 23557332, 24221504, 8651289). A different missense change at the same codon (p.Tyr210His) has been reported to be associated with ARSB related disorder (ClinVar ID: VCV001469785). Therefore, this variant is classified as Pathogenic according to the recommendation of ACMG/AMP guideline.

GeneDx
Classification: Pathogenic. Last evaluated: 2022-05-02. Review status: criteria provided, single submitter. Criteria: GeneDx Variant Classification Process June 2021. Collection method: clinical testing. Allele origin: germline. Affected: yes.
Comment: Published functional studies demonstrate that expression of Y210C mutant cell lines results in approximately 2% residual arylsulfatase activity, supporting a damaging effect (Litjens et al., 1996; Brands et al., 2013).; In silico analysis supports that this missense variant has a deleterious effect on protein structure/function; This variant is associated with the following publications: (PMID: 21917494, 15324318, 28552677, 21791832, 23657977, 24373060, 24221504, 23557332, 8651289, 14974081, 22441840, 22133300, 24389823, 18486607, 17458871, 30118150, 33209960, 31589614, 21514195)

Revvity Omics, Revvity
Classification: Pathogenic for Mucopolysaccharidosis type 6. Last evaluated: 2021-02-22. Review status: criteria provided, single submitter. Criteria: ACMG Guidelines, 2015. Collection method: clinical testing. Allele origin: germline.

Fulgent Genetics
Classification: Pathogenic for Mucopolysaccharidosis type 6. Last evaluated: 2018-10-31. Review status: criteria provided, single submitter. Criteria: ACMG Guidelines, 2015. Collection method: clinical testing. Allele origin: unknown.

Laboratory of Diagnosis and Therapy of Lysosomal Disorders, University of Padova
Classification: Pathogenic for Mucopolysaccharidosis type 6. Last evaluated: 2018-01-01. Review status: criteria provided, single submitter. Criteria: ACMG Guidelines, 2015. Collection method: curation. Allele origin: germline. Affected: yes.
Comment: In vitro functional studies supportive of a damaging effect on the gene product (low to no ARSB activity in homozygotes; PS3); Prevalence of the variant in affected is increased compared with controls (PS4); Reputable source identifies as pathogenic (PP5)

Women's Health and Genetics/Laboratory Corporation of America, LabCorp
Classification: Pathogenic for Metachromatic leukodystrophy. Last evaluated: 2017-11-02. Review status: criteria provided, single submitter. Criteria: LabCorp Variant Classification Summary - May 2015. Collection method: clinical testing. Allele origin: germline.
Comment: Variant summary: The ARSB c.629A>G (p.Tyr210Cys) variant located in the Sulfatase, N-termail (via InterPro) involves the alteration of a conserved nucleotide and 5/5 in silico tools predict a damaging outcome for this variant. A functional study, Brands_2013, supports these predictions by observing the variant to cause a significant decrease in ARSB activity in comparison to wild type. This variant was found in 75/277016 control chromosomes (gnomAD), predominantly observed in the European (Non-Finnish) subpopulation at a frequency of 0.000569 (72/126548), which does not exceed the estimated maximal expected allele frequency of a pathogenic ARSB variant (0.0022361). Multiple publications have cited the variant homozygously and in compound heterozygosity in affected individuals and indicated the variant to be one of the of most common mutations (Karageorgos_2007). In addition, multiple clinical diagnostic laboratories/reputable databases classified this variant as pathogenic. Taken together, this variant is classified as pathogenic.

Eurofins Ntd Llc (ga)
Classification: Pathogenic. Last evaluated: 2013-07-25. Review status: criteria provided, single submitter. Criteria: EGL Classification Definitions 2015. Collection method: clinical testing. Allele origin: germline. Observed: 2 variant alleles, 2 heterozygotes.

PreventionGenetics, part of Exact Sciences
Classification: Pathogenic for ARSB-related condition. Last evaluated: 2024-01-22. Review status: no assertion criteria provided. Collection method: clinical testing. Allele origin: germline. Not counted in ClinVar's aggregate classification.
Comment: The ARSB c.629A>G variant is predicted to result in the amino acid substitution p.Tyr210Cys. This variant has been reported to be causative for mucopolysaccharidosis VI syndrome (see for example Litjens et al 1996. PubMed ID: 8651289; Brands et al. 2013. PubMed ID: 23557332; Jurecka. 2014. PubMed ID: 24221504). This variant is reported in 0.056% of alleles in individuals of European (Non-Finnish) descent in gnomAD. This variant is interpreted as pathogenic.

OMIM
Classification: Pathogenic for MUCOPOLYSACCHARIDOSIS, TYPE VI. Last evaluated: 1996-06-01. Review status: no assertion criteria provided. Collection method: literature only. Allele origin: germline. Not counted in ClinVar's aggregate classification.

Clinical Genetics DNA and cytogenetics Diagnostics Lab, Erasmus MC, Erasmus Medical Center
Classification: Pathogenic. Review status: no assertion criteria provided. Collection method: clinical testing. Allele origin: germline. Affected: yes. Study: VKGL Data-share Consensus. Not counted in ClinVar's aggregate classification.

Diagnostic Laboratory, Department of Genetics, University Medical Center Groningen
Classification: Pathogenic. Review status: no assertion criteria provided. Collection method: clinical testing. Allele origin: germline. Affected: yes. Study: VKGL Data-share Consensus. Not counted in ClinVar's aggregate classification.

Joint Genome Diagnostic Labs from Nijmegen and Maastricht, Radboudumc and MUMC+
Classification: Pathogenic. Review status: no assertion criteria provided. Collection method: clinical testing. Allele origin: germline. Affected: yes. Study: VKGL Data-share Consensus. Not counted in ClinVar's aggregate classification.

Literature cited by the submitters: PubMed 8651289 (cited by 4 submitters); PubMed 17458871 (cited by 4 submitters); PubMed 21514195 (cited by 4 submitters); PubMed 23557332 (cited by 4 submitters); PubMed 24221504 (cited by Labcorp Genetics (formerly Invitae), Labcorp and 3billion); PubMed 11939792 (cited by Labcorp Genetics (formerly Invitae), Labcorp and 3billion); PubMed 35118118 (cited by Natera, Inc.); PubMed 28552677 (cited by Natera, Inc.); PubMed 14974081 (cited by Laboratory of Diagnosis and Therapy of Lysosomal Disorders, University of Padova); PubMed 10923267 (cited by Laboratory of Diagnosis and Therapy of Lysosomal Disorders, University of Padova); PubMed 21917494 (cited by Laboratory of Diagnosis and Therapy of Lysosomal Disorders, University of Padova); PubMed 22133300 (cited by Laboratory of Diagnosis and Therapy of Lysosomal Disorders, University of Padova); PubMed 24373060 (cited by Laboratory of Diagnosis and Therapy of Lysosomal Disorders, University of Padova); PubMed 21791832 (cited by Laboratory of Diagnosis and Therapy of Lysosomal Disorders, University of Padova); PubMed 22441840 (cited by Laboratory of Diagnosis and Therapy of Lysosomal Disorders, University of Padova); PubMed 23657977 (cited by Laboratory of Diagnosis and Therapy of Lysosomal Disorders, University of Padova); PubMed 30118150 (cited by Laboratory of Diagnosis and Therapy of Lysosomal Disorders, University of Padova).